The following is an entry in ClinVar:

ClinVar aggregate classification (germline): Conflicting classifications of pathogenicity. Review status: criteria provided, conflicting classifications (1 of 4 stars). 10 submissions from 10 submitters: Uncertain significance (1); Likely benign (9). Last evaluated 2025-12-22.

Conditions:
TTN-related disorder. Also called: TTN-related condition; TTN-related disease; TTN-related disorders.
Cardiovascular phenotype. Identifiers: MedGen CN230736.
Autosomal recessive limb-girdle muscular dystrophy type 2J (LGMDR10). Also called: Limb-girdle muscular dystrophy, type 2J; MUSCULAR DYSTROPHY, LIMB-GIRDLE, AUTOSOMAL RECESSIVE 10. Identifiers: Orphanet 140922, MedGen C1837342, MONDO:0012127, OMIM 608807.
Dilated cardiomyopathy 1G (CMD1G). Identifiers: Orphanet 154, MedGen C1858763, MONDO:0011400, OMIM 604145.
Tibial muscular dystrophy (TMD). Also called: Tibial muscular dystrophy, tardive; UDD MYOPATHY; Udd Distal Myopathy – Tibial Muscular Dystrophy. Identifiers: Orphanet 609, MedGen C1838244, MONDO:0010870, OMIM 600334.
Myopathy, myofibrillar, 9, with early respiratory failure (MFM9). Also called: Hereditary myopathy with early respiratory failure; MYOPATHY, PROXIMAL, WITH EARLY RESPIRATORY MUSCLE INVOLVEMENT; Myopathy, distal, with early respiratory failure, autosomal dominant; EDSTROM MYOPATHY. Identifiers: Orphanet 178464, Orphanet 34521, MedGen C1863599, MONDO:0011362, OMIM 603689.
Hypertrophic cardiomyopathy 9. Also called: Familial hypertrophic cardiomyopathy 9. Identifiers: MedGen C1861065, MONDO:0013412, OMIM 613765.
Early-onset myopathy with fatal cardiomyopathy (CMYO5). Also called: CONGENITAL MYOPATHY 5 WITH CARDIOMYOPATHY; Salih Myopathy. Identifiers: Orphanet 289377, MedGen C2673677, MONDO:0012714, OMIM 611705. Disease mechanism: loss of function.

Allele frequency attached by ClinVar (database versions not stated): ESP Exome Variant Server 0.00008; TOPMed 0.00008; gnomAD exomes 0.00009 and 0.00010; gnomAD 0.00011 and 0.00012; ExAC 0.00015.
gnomAD v4.1: 148 of 1,612,570 alleles (0.0092%); highest among the groups gnomAD compares: East Asian, 0.047%; no homozygotes.

Submissions (10):

Labcorp Genetics (formerly Invitae), Labcorp
Classification: Likely benign for Dilated cardiomyopathy 1G; Autosomal recessive limb-girdle muscular dystrophy type 2J. Last evaluated: 2025-12-22. Review status: criteria provided, single submitter. Criteria: Invitae Variant Classification Sherloc (09022015). Collection method: clinical testing. Allele origin: germline.

PreventionGenetics, part of Exact Sciences
Classification: Likely benign for TTN-related condition. Last evaluated: 2025-08-04. Review status: criteria provided, single submitter. Criteria: ACMG Guidelines, 2015. Collection method: clinical testing. Allele origin: germline.
Comment: This variant is classified as likely benign based on ACMG/AMP sequence variant interpretation guidelines (Richards et al. 2015 PMID: 25741868, with internal and published modifications).

Molecular Diagnostic Laboratory for Inherited Cardiovascular Disease, Montreal Heart Institute
Classification: Likely benign. Last evaluated: 2025-04-09. Review status: criteria provided, single submitter. Criteria: ACMG Guidelines, 2015. Collection method: clinical testing. Allele origin: germline. Affected: no.

Blueprint Genetics
Classification: Likely benign. Last evaluated: 2024-11-08. Review status: criteria provided, single submitter. Criteria: ACMG Guidelines, 2015. Collection method: clinical testing. Allele origin: germline.

Women's Health and Genetics/Laboratory Corporation of America, LabCorp
Classification: Likely benign. Last evaluated: 2024-07-18. Review status: criteria provided, single submitter. Criteria: LabCorp Variant Classification Summary - May 2015. Collection method: clinical testing. Allele origin: germline.

CeGaT Center for Human Genetics Tuebingen
Classification: Uncertain significance. Last evaluated: 2023-01-01. Review status: criteria provided, single submitter. Criteria: CeGaT Center For Human Genetics Tuebingen Variant Classification Criteria Version 2. Collection method: clinical testing. Allele origin: germline. Affected: yes. Observed: 1 variant allele.
Comment: TTN: PM2, BP4

Fulgent Genetics
Classification: Likely benign for Tibial muscular dystrophy; Myopathy, myofibrillar, 9, with early respiratory failure; Dilated cardiomyopathy 1G; Autosomal recessive limb-girdle muscular dystrophy type 2J; Early-onset myopathy with fatal cardiomyopathy; Hypertrophic cardiomyopathy 9. Last evaluated: 2021-08-11. Review status: criteria provided, single submitter. Criteria: ACMG Guidelines, 2015. Collection method: clinical testing. Allele origin: unknown.

GeneDx
Classification: Likely benign. Last evaluated: 2021-02-22. Review status: criteria provided, single submitter. Criteria: GeneDx Variant Classification Process June 2021. Collection method: clinical testing. Allele origin: germline. Affected: yes.

Ambry Genetics
Classification: Likely benign for Cardiovascular phenotype. Last evaluated: 2019-08-22. Review status: criteria provided, single submitter. Criteria: Ambry Variant Classification Scheme 2023. Collection method: clinical testing. Allele origin: germline.

Laboratory for Molecular Medicine, Mass General Brigham Personalized Medicine
Classification: Likely benign. Last evaluated: 2012-03-19. Review status: criteria provided, single submitter. Criteria: LMM Criteria. Collection method: clinical testing. Allele origin: germline. Observed: 1 variant allele.
Comment: p.Tyr22022Tyr in Exon 275 of TTN: This variant is not expected to have clinical significance because it does not alter an amino acid residue, is not located wit hin the splice consensus sequence. It has been identified in 1/6636 European Ame rican chromosomes from a broad population by the NHLBI Exome Sequencing Project.

NM_001267550.2(TTN):c.73770T>C (p.Tyr24590=)

Genes: TTN (titin; minus strand), TTN-AS1 (TTN antisense RNA 1; plus strand). Cytogenetic location: 2q31.2.
Variant type: single nucleotide variant.
Coding change: c.73770T>C on transcript NM_001267550.2 (MANE Select); coding-DNA position 73770, T replaced by C.
Protein change: p.Tyr24590=; no amino-acid change (tyrosine 24590 retained).
Molecular consequence: synonymous variant.
Genome position (GRCh38, 1-based): chr2:178,572,362, A>G on the plus strand (T>C on the coding strand, the complement: TTN is on the minus strand). VCF-style: chr2-178572362-A-G. GRCh37 (hg19) VCF-style: chr2-179437089-A-G.
Other names: c.68847T>C, p.Tyr22949= (NM_001256850.1); c.66066T>C, p.Tyr22022= (NM_133378.4); c.46575T>C, p.Tyr15525= (NM_003319.4); c.46950T>C, p.Tyr15650= (NM_133432.3); c.47151T>C, p.Tyr15717= (NM_133437.4).
Identifiers: ClinVar variation 228139 (VCV000228139.48), dbSNP rs201380749, ClinGen allele CA1990316.